The following is an entry in ClinVar:

NM_001458.5(FLNC):c.5745C>T (p.Thr1915=)

Genes: FLNC (filamin C; plus strand), FLNC-AS1 (FLNC antisense RNA 1; minus strand). Cytogenetic location: 7q32.1.
Variant type: single nucleotide variant.
Coding change: c.5745C>T on transcript NM_001458.5 (MANE Select); coding-DNA position 5745, C replaced by T.
Protein change: p.Thr1915=; no amino-acid change (threonine 1915 retained).
Molecular consequence: synonymous variant.
Genome position (GRCh38, 1-based): chr7:128,851,531, C>T. VCF-style: chr7-128851531-C-T. GRCh37 (hg19) VCF-style: chr7-128491585-C-T.
Other names: c.5646C>T, p.Thr1882= (NM_001127487.2).
Identifiers: ClinVar variation 756443 (VCV000756443.13), dbSNP rs369449907, ClinGen allele CA4475768.

ClinVar aggregate classification (germline): Likely benign. Review status: criteria provided, multiple submitters, no conflicts (2 of 4 stars). 5 submissions from 5 submitters: Likely benign (5). Last evaluated 2026-02-03.

Conditions:
FLNC-related disorder. Also called: FLNC-related condition; FLNC-related disorders.
Cardiomyopathy (CMYO). Also called: Cardiomyopathies. Identifiers: Orphanet 167848, MedGen C0878544, MONDO:0004994, HP:0001638. Inheritance: Various modes of inheritance.
Hypertrophic cardiomyopathy 26. Also called: Cardiomyopathy, familial hypertrophic, 26. Identifiers: Orphanet 75249, MedGen C4310749, MONDO:0014883, OMIM 617047.
Distal myopathy with posterior leg and anterior hand involvement. Also called: WILLIAMS DISTAL MYOPATHY. Identifiers: Orphanet 63273, MedGen C3279722, MONDO:0013550, OMIM 614065.
Myofibrillar myopathy 5. Also called: Filaminopathy (type); FILAMINOPATHY, AUTOSOMAL DOMINANT. Identifiers: Orphanet 171445, MedGen C1836050, MONDO:0012289, OMIM 609524.
Cardiovascular phenotype. Identifiers: MedGen CN230736.

Allele frequency attached by ClinVar (database versions not stated): gnomAD 0.00001 and 0.00002; TOPMed 0.00001.
gnomAD v4.1: 32 of 1,613,958 alleles (0.002%); highest among the groups gnomAD compares: African/African-American, 0.0067%; 1 homozygote.

Submissions (5):

PreventionGenetics, part of Exact Sciences
Classification: Likely benign for FLNC-related condition. Last evaluated: 2026-02-03. Review status: criteria provided, single submitter. Criteria: ACMG Guidelines, 2015. Collection method: clinical testing. Allele origin: germline.
Comment: This variant is classified as likely benign based on ACMG/AMP sequence variant interpretation guidelines (Richards et al. 2015 PMID: 25741868, with internal and published modifications).

Labcorp Genetics (formerly Invitae), Labcorp
Classification: Likely benign for Distal myopathy with posterior leg and anterior hand involvement; Myofibrillar myopathy 5; Hypertrophic cardiomyopathy 26. Last evaluated: 2024-07-27. Review status: criteria provided, single submitter. Criteria: Invitae Variant Classification Sherloc (09022015). Collection method: clinical testing. Allele origin: germline.

Blueprint Genetics
Classification: Likely benign. Last evaluated: 2023-05-11. Review status: criteria provided, single submitter. Criteria: ACMG Guidelines, 2015. Collection method: clinical testing. Allele origin: germline.

CHEO Genetics Diagnostic Laboratory, Children's Hospital of Eastern Ontario
Classification: Likely benign for Cardiomyopathy. Last evaluated: 2022-09-08. Review status: criteria provided, single submitter. Criteria: ACMG Guidelines, 2015. Collection method: clinical testing. Allele origin: germline.

Ambry Genetics
Classification: Likely benign for Cardiovascular phenotype. Last evaluated: 2022-01-05. Review status: criteria provided, single submitter. Criteria: Ambry Variant Classification Scheme 2023. Collection method: clinical testing. Allele origin: germline.